The following is an entry in ClinVar:

NC_000016.9:g.(?_89818526)_(89831494_?)del

Gene: FANCA (FA complementation group A; minus strand). Cytogenetic location: 16q24.3.
Variant type: Deletion.
Identifiers: ClinVar variation 3243261 (VCV003243261.1).

ClinVar aggregate classification (germline): Pathogenic (1 of 4 stars; one submission).

Conditions:
Fanconi anemia (FA). Also called: Fanconi's anemia. Identifiers: Orphanet 84, MedGen C0015625, MeSH D005199, MONDO:0019391.

Submission:

Labcorp Genetics (formerly Invitae), Labcorp
Classification: Pathogenic for Fanconi anemia. Last evaluated: 2023-04-06. Review status: criteria provided, single submitter. Criteria: Invitae Variant Classification Sherloc (09022015). Collection method: clinical testing. Allele origin: unknown.
Comment: For these reasons, this variant has been classified as Pathogenic. This variant disrupts a region of the FANCA protein in which other variant(s) (p.His913Pro) have been determined to be pathogenic (PMID: 29269525). This suggests that this is a clinically significant region of the protein, and that variants that disrupt it are likely to be disease-causing. This variant has not been reported in the literature in individuals affected with FANCA-related conditions. This variant is a gross deletion of the genomic region encompassing exon(s) 28-31 of the FANCA gene. This variant would be expected to be in-frame, preserving the integrity of the reading frame.

Literature cited by the submitters: PubMed 29269525.